The following is an entry in ClinVar:

NM_001184.4(ATR):c.1180G>A (p.Gly394Ser)

Gene: ATR (ATR checkpoint kinase; minus strand). Cytogenetic location: 3q23.
Variant type: single nucleotide variant.
Coding change: c.1180G>A on transcript NM_001184.4 (MANE Select); coding-DNA position 1180, G replaced by A.
Protein change: p.Gly394Ser; replaces glycine 394 with serine.
Molecular consequence: missense variant.
Genome position (GRCh38, 1-based): chr3:142,561,412, C>T on the plus strand (G>A on the coding strand, the complement: ATR is on the minus strand). VCF-style: chr3-142561412-C-T. GRCh37 (hg19) VCF-style: chr3-142280254-C-T.
Other names: c.1180G>A, p.Gly394Ser (NM_001354579.2); short protein forms G394S.
Identifiers: ClinVar variation 1504890 (VCV001504890.8), dbSNP rs2108485417, ClinGen allele CA354823482.

ClinVar aggregate classification (germline): Uncertain significance (1 of 4 stars; one submission).

gnomAD v4.1: 1 of 1,613,348 alleles (0.000062%); no homozygotes.

Submission:

Labcorp Genetics (formerly Invitae), Labcorp
Classification: Uncertain significance. Last evaluated: 2021-05-04. Review status: criteria provided, single submitter. Criteria: Invitae Variant Classification Sherloc (09022015). Collection method: clinical testing. Allele origin: germline.
Comment: In summary, the available evidence is currently insufficient to determine the role of this variant in disease. Therefore, it has been classified as a Variant of Uncertain Significance. Algorithms developed to predict the effect of missense changes on protein structure and function (SIFT, PolyPhen-2, Align-GVGD) all suggest that this variant is likely to be tolerated, but these predictions have not been confirmed by published functional studies and their clinical significance is uncertain. This variant has not been reported in the literature in individuals with ATR-related conditions. This variant is not present in population databases (ExAC no frequency). This sequence change replaces glycine with serine at codon 394 of the ATR protein (p.Gly394Ser). The glycine residue is weakly conserved and there is a small physicochemical difference between glycine and serine.